The following is an entry in ClinVar:

ClinVar aggregate classification (germline): Uncertain significance (1 of 4 stars; one submission).

Conditions:
Nephronophthisis. Also called: Juvenile Nephronophthisis. Identifiers: Orphanet 655, MedGen C0687120, MONDO:0019005, HP:0000090.

Allele frequency attached by ClinVar (database versions not stated): gnomAD exomes below 0.00001.
gnomAD v4.1: 2 of 1,591,356 alleles (0.00013%); highest among the groups gnomAD compares: Non-Finnish European, 0.00017%; no homozygotes.

Submission:

Labcorp Genetics (formerly Invitae), Labcorp
Classification: Uncertain significance for Nephronophthisis. Last evaluated: 2021-11-17. Review status: criteria provided, single submitter. Criteria: Invitae Variant Classification Sherloc (09022015). Collection method: clinical testing. Allele origin: germline.
Comment: In summary, the available evidence is currently insufficient to determine the role of this variant in disease. Therefore, it has been classified as a Variant of Uncertain Significance. Algorithms developed to predict the effect of missense changes on protein structure and function are either unavailable or do not agree on the potential impact of this missense change (SIFT: "Deleterious"; PolyPhen-2: "Benign"; Align-GVGD: "Class C0"). This variant has not been reported in the literature in individuals affected with NPHP3-related conditions. This variant is not present in population databases (gnomAD no frequency). This sequence change replaces glutamic acid, which is acidic and polar, with aspartic acid, which is acidic and polar, at codon 695 of the NPHP3 protein (p.Glu695Asp).

NM_153240.5(NPHP3):c.2085G>C (p.Glu695Asp)

Genes: NPHP3 (nephrocystin 3; minus strand), NPHP3-ACAD11 (NPHP3-ACAD11 readthrough (NMD candidate); minus strand). Cytogenetic location: 3q22.1.
Variant type: single nucleotide variant.
Coding change: c.2085G>C on transcript NM_153240.5 (MANE Select); coding-DNA position 2085, G replaced by C.
Protein change: p.Glu695Asp; replaces glutamic acid 695 with aspartic acid.
Molecular consequence: missense variant. On other transcripts: non-coding transcript variant (1).
Genome position (GRCh38, 1-based): chr3:132,697,263, C>G on the plus strand (G>C on the coding strand, the complement: NPHP3 is on the minus strand). VCF-style: chr3-132697263-C-G. GRCh37 (hg19) VCF-style: chr3-132416107-C-G.
Other names: short protein forms E695D.
Identifiers: ClinVar variation 1488482 (VCV001488482.5), dbSNP rs553166708, ClinGen allele CA354582124.